The following is an entry in ClinVar:

ClinVar aggregate classification (germline): Uncertain significance. Review status: criteria provided, multiple submitters, no conflicts (2 of 4 stars). 3 submissions from 3 submitters: Uncertain significance (3). Last evaluated 2025-07-07.

Conditions:
DiGeorge syndrome. Also called: THIRD AND FOURTH PHARYNGEAL POUCH SYNDROME; Catch22. Identifiers: Orphanet 567, MedGen C0012236, MONDO:0008564, OMIM 188400.
Cardiovascular phenotype. Identifiers: MedGen CN230736.

Allele frequency attached by ClinVar (database versions not stated): TOPMed below 0.00001.

Submissions (3):

Labcorp Genetics (formerly Invitae), Labcorp
Classification: Uncertain significance for DiGeorge syndrome. Last evaluated: 2025-07-07. Review status: criteria provided, single submitter. Criteria: Invitae Variant Classification Sherloc (09022015). Collection method: clinical testing. Allele origin: germline.
Comment: This sequence change replaces proline, which is neutral and non-polar, with serine, which is neutral and polar, at codon 395 of the TBX1 protein (p.Pro395Ser). This variant is not present in population databases (gnomAD no frequency). This variant has not been reported in the literature in individuals affected with TBX1-related conditions. ClinVar contains an entry for this variant (Variation ID: 1742750). An algorithm developed to predict the effect of missense changes on protein structure and function (PolyPhen-2) suggests that this variant is likely to be tolerated. In summary, the available evidence is currently insufficient to determine the role of this variant in disease. Therefore, it has been classified as a Variant of Uncertain Significance.

Ambry Genetics
Classification: Uncertain significance for Cardiovascular phenotype. Last evaluated: 2022-07-08. Review status: criteria provided, single submitter. Criteria: Ambry Variant Classification Scheme 2023. Collection method: clinical testing. Allele origin: germline.
Comment: The p.P395S variant (also known as c.1183C>T), located in coding exon 8 of the TBX1 gene, results from a C to T substitution at nucleotide position 1183. The proline at codon 395 is replaced by serine, an amino acid with similar properties. This amino acid position is conserved. In addition, this alteration is predicted to be tolerated by in silico analysis. Since supporting evidence is limited at this time, the clinical significance of this alteration remains unclear.

Blueprint Genetics
Classification: Uncertain significance. Last evaluated: 2020-11-19. Review status: criteria provided, single submitter. Criteria: ACMG Guidelines, 2015. Collection method: clinical testing. Allele origin: germline.

NM_001379200.1(TBX1):c.1210C>T (p.Pro404Ser)

Gene: TBX1 (T-box transcription factor 1; plus strand). Cytogenetic location: 22q11.21.
Variant type: single nucleotide variant.
Coding change: c.1210C>T on transcript NM_001379200.1 (MANE Select); coding-DNA position 1210, C replaced by T.
Protein change: p.Pro404Ser; replaces proline 404 with serine.
Molecular consequence: missense variant. On other transcripts: intron variant (2).
Genome position (GRCh38, 1-based): chr22:19,766,562, C>T. VCF-style: chr22-19766562-C-T. GRCh37 (hg19) VCF-style: chr22-19754085-C-T.
Other names: c.1183C>T, p.Pro395Ser (NM_080647.1); c.1009+560C>T (NM_005992.1, NM_080646.2); short protein forms P395S, P404S.
Identifiers: ClinVar variation 1742750 (VCV001742750.8), dbSNP rs768991190, ClinGen allele CA322058285.